The following is an entry in ClinVar:

ClinVar aggregate classification (germline): Pathogenic/Likely pathogenic. Review status: criteria provided, multiple submitters, no conflicts (2 of 4 stars). 59 submissions from 59 submitters: Pathogenic (50); Likely pathogenic (3). 6 of the submissions do not count toward it. Last evaluated 2026-09-01.

Conditions:
ACADM-related disorder. Also called: ACADM-related condition.
MCADD - Medium-chain acyl-CoA dehydrogenase deficiency – full ACADM sequencing newborn screening follow up.
Inborn genetic diseases. Identifiers: MedGen C0950123, MeSH D030342.
Medium-chain acyl-coenzyme A dehydrogenase deficiency (ACADMD). Also called: MCAD Deficiency; MCADH DEFICIENCY; ACADM DEFICIENCY; CARNITINE DEFICIENCY SECONDARY TO MEDIUM-CHAIN ACYL-CoA DEHYDROGENASE DEFICIENCY; MCADD; Medium chain acyl-CoA dehydrogenase deficiency. Identifiers: Orphanet 42, MedGen C0220710, MONDO:0008721, OMIM 201450.
Epileptic spasm. Also called: Epileptic spasms. Identifiers: MedGen C1527366, HP:0011097.

Allele frequency attached by ClinVar (database versions not stated): 1000 Genomes Project 0.00100; gnomAD exomes 0.00333 and 0.00615; gnomAD 0.00363 and 0.00347; 1000 Genomes Project 30x 0.00078; ExAC 0.00332; TOPMed 0.00347.
gnomAD v4.1: 9,398 of 1,614,074 alleles (0.58%); highest among the groups gnomAD compares: Non-Finnish European, 0.75%; 19 homozygotes.

Submissions 1 to 9 of 59:

CeGaT Center for Human Genetics Tuebingen
Classification: Pathogenic. Last evaluated: 2026-09-01. Review status: criteria provided, single submitter. Criteria: CeGaT Center For Human Genetics Tuebingen Variant Classification Criteria Version 2. Collection method: clinical testing. Allele origin: germline. Affected: yes. Observed: 64 variant alleles.
Comment: ACADM: PM3:Very Strong, PP4:Moderate, PM2:Supporting, PS3:Supporting

OLLIN Analises Genomicas, OLLIN
Classification: Pathogenic for Medium-chain acyl-coenzyme A dehydrogenase deficiency. Last evaluated: 2026-08-06. Review status: criteria provided, single submitter. Criteria: ACMG Guidelines 2015 PMID 25741868. Collection method: clinical testing. Allele origin: germline. Inheritance: Autosomal recessive inheritance.
Comment: This missense variant, located in exon 11 (of 12), has been reported in ClinVar (accession VCV000003586.135), in gnomAD with an allele frequency of 0.58%, and in the scientific literature, in compound heterozygosity, in individuals with ACADM related disorders (PMID: 22630369, 23028790, 11349232, 25333063, 2393404, 15832312). Functional studies suggest that this variant may affect protein function, and in silico analysis predicts a deleterious effect (PMID: 22630369, 23028790). Another pathogenic variant affecting the same amino acid residue has been reported. According to the currently available evidence, this variant has been classified as pathogenic (PS3_P, PM3_VS, PM5, PP3, BS1).

PreventionGenetics, part of Exact Sciences
Classification: Pathogenic for ACADM-related condition. Last evaluated: 2026-07-29. Review status: criteria provided, single submitter. Criteria: ACMG Guidelines, 2015. Collection method: clinical testing. Allele origin: germline.
Comment: The ACADM c.985A>G variant is predicted to result in the amino acid substitution p.Lys329Glu. This variant, also referred to in the literature as p.Lys304Glu and p.Lys333Glu, has been documented in association with autosomal recessive medium chain acyl-CoA dehydrogenase deficiency (MCADD) when present in the homozygous or compound heterozygous states (see for example: Matsubara et al. 1990. PubMed ID: 2393404; Sturm et al. 2012. PubMed ID: 23028790; Drendel et al. 2015. PubMed ID: 26798524) and has been noted to segregate with the disorder (Grünert et al. 2015. PubMed ID: 26223887). This is the most common pathogenic ACADM variant among patients of Northern European ancestry (Andresen et al. 2001. PubMed ID: 11349232; Nichols et al. 2008. PubMed ID: 18241067; Arnold et al. 2010. PubMed ID: 20036593). Well-established functional studies indicate that this thermosensitive variant significantly reduces enzyme activity (Andresen et al. 2001. PubMed ID: 11349232; Sturm et al. 2012. PubMed ID: 23028790; Grünert et al. 2015. PubMed ID: 26223887). This variant is reported in 0.62% of alleles in individuals of European (non-Finnish) descent in gnomAD. This variant is consistently classified as pathogenic in ClinVar (Variation ID: 3586). In summary, we interpret this variant as pathogenic.

Genetics Laboratory, Great Ormond Street Hospital NHS Foundation Trust, North Thames Genomic Laboratory Hub
Classification: Pathogenic for MCADD - Medium-chain acyl-CoA dehydrogenase deficiency – full ACADM sequencing newborn screening follow up. Last evaluated: 2026-07-16. Review status: criteria provided, single submitter. Criteria: ACGS Best Practice Guidelines for Variant Classification in Rare Disease 2024 v1.2. Collection method: clinical testing. Allele origin: germline. Affected: yes.
Comment: PS4_moderate, PM3_very-strong, PP4_moderate

Genetics and Molecular Pathology, SA Pathology
Classification: Pathogenic for Medium-chain acyl-coenzyme A dehydrogenase deficiency. Last evaluated: 2026-02-06. Review status: criteria provided, single submitter. Criteria: ACMG Guidelines, 2015. Collection method: clinical testing. Allele origin: germline. Inheritance: Autosomal recessive inheritance.
Comment: The ACADM c.985A>G variant is classified as PATHOGENIC (PM3_Very Strong, PS3, PP4_Moderate, PM2_Supporting). The ACADM c.985A>G variant is a single nucleotide change located in exon 11/12 that is predicted to change lysine to glutamic acid at codon 329 in the protein. This variant is widely reported in individuals of Northern European ancestry (PMID: 20301597). It has been detected in both compound heterozygous and homozygous states in multiple unrelated individuals with MCAD Deficiency (PMID: 11349232‚ 20301597‚ 25333063‚ 2393404‚ 23028790‚ 15832312) (PM3_Very Strong). This variant is present in the population database gnomAD v4.1.0 at an allele frequency of 0.58% with 19 homozygotes and 9398 heterozygotes (PM2_Supporting). In silico analysis and in vitro studies have demonstrated a decreased enzyme activity and structural instability that impair protein function (PMID: 8104486, 27976856, 23028790) (PS3). The abnormal pattern detected in the acylcarnitine profile from standard NBS is consistent with MCADD (PP4_Moderate). This variant has been reported in dbSNP (rs77931234) and in HGMD (CM900001). It has been reported as Pathogenic / Likely Pathogenic by other clinical laboratories (ClinVar Variation ID: 3586). This variant was detected in a genomic screening context.

Labcorp Genetics (formerly Invitae), Labcorp
Classification: Pathogenic for Medium-chain acyl-coenzyme A dehydrogenase deficiency. Last evaluated: 2026-02-04. Review status: criteria provided, single submitter. Criteria: Invitae Variant Classification Sherloc (09022015). Collection method: clinical testing. Allele origin: germline.
Comment: This sequence change replaces lysine, which is basic and polar, with glutamic acid, which is acidic and polar, at codon 329 of the ACADM protein (p.Lys329Glu). This variant is present in population databases (rs77931234, gnomAD 0.6%), including at least one homozygous and/or hemizygous individual. This missense change has been observed in individual(s) with MCAD deficiency (PMID: 15832312, 16291504, 16617240, 16737882, 16763904, 23574375). In at least one individual the data is consistent with being in trans (on the opposite chromosome) from a pathogenic variant. This variant is also known as p.Lys304Glu or K304E. ClinVar contains an entry for this variant (Variation ID: 3586). Invitae Evidence Modeling of protein sequence and biophysical properties (such as structural, functional, and spatial information, amino acid conservation, physicochemical variation, residue mobility, and thermodynamic stability) indicates that this missense variant is not expected to disrupt ACADM protein function with a negative predictive value of 80%. Experimental studies have shown that this missense change affects ACADM function (PMID: 22630369, 23028790). For these reasons, this variant has been classified as Pathogenic.

Variantyx, Inc.
Classification: Pathogenic for Medium-chain acyl-coenzyme A dehydrogenase deficiency. Last evaluated: 2026-01-09. Review status: criteria provided, single submitter. Criteria: Variantyx Assertion Criteria 2022. Collection method: clinical testing. Allele origin: germline. Inheritance: Autosomal recessive inheritance. Affected: no.
Comment: This is a nonsynonymous variant in the ACADM gene (OMIM: 607008). Pathogenic variants in this gene have been associated with autosomal recessive medium chain acyl-CoA dehydrogenase (MCAD) deficiency. This variant has been identified in the homozygous or compound heterozygous state in many affected individual(s) reported in the published literature (PMID: 16737882, 15832312, 16291504, 16617240, 16763904, 23574375) (PM3). Functional studies have shown that this variant alters ACADM protein function (PMID: 23028790, 22630369) (PS3) and multiple computational algorithms predict a deleterious effect for this variant (REVEL score: 0.695) (PP3). This variant lies within a known hotspot for pathogenic variants or within a well-established critical functional domain of the ACADM protein (PM1). This variant has a 0.7480% maximum allele frequency in non-founder control populations. Based on the current evidence, this variant is classified as pathogenic for autosomal recessive medium chain acyl-CoA dehydrogenase (MCAD) deficiency.

North West Genomic Laboratory Hub, Manchester University NHS Foundation Trust
Classification: Pathogenic for Medium-chain acyl-coenzyme A dehydrogenase deficiency. Last evaluated: 2026-01-07. Review status: criteria provided, single submitter. Criteria: ACGS Best Practice Guidelines for Variant Classification in Rare Disease 2024. Collection method: clinical testing. Allele origin: germline. Affected: yes.
Comment: PM3_VStr PP4_Str PS3_Mod

Natera, Inc.
Classification: Pathogenic for Medium Chain Acyl-CoA Dehydrogenase Deficiency. Last evaluated: 2025-10-13. Review status: criteria provided, single submitter. Criteria: Natera Variant Classification Schema (03/2026). Collection method: clinical testing. Allele origin: germline.
Comment: The c.985A>G variant in ACADM is a missense variant predicted to cause substitution of lysine to glutamic acid at amino acid 329. This variant has been observed in one or more individuals affected with the associated recessive disease, as either homozygous or compound heterozygous with a second variant (PMID: 32311243, 33514801). Given the available evidence, this variant is classified as Pathogenic.

NM_000016.6(ACADM):c.985A>G (p.Lys329Glu)

Gene: ACADM (acyl-CoA dehydrogenase medium chain; plus strand). Cytogenetic location: 1p31.1.
Variant type: single nucleotide variant.
Coding change: c.985A>G on transcript NM_000016.6 (MANE Select); coding-DNA position 985, A replaced by G.
Protein change: p.Lys329Glu; replaces lysine 329 with glutamic acid.
Molecular consequence: missense variant.
Genome position (GRCh38, 1-based): chr1:75,761,161, A>G. VCF-style: chr1-75761161-A-G. GRCh37 (hg19) VCF-style: chr1-76226846-A-G.
Other names: K304E; 985A>G; c.985A>G (p.K304E); p.K329E:AAA>GAA; MC K329e; c.997A>G (NM_001127328.2); c.997A>G, p.Lys333Glu (NM_001127328.3); c.877A>G, p.Lys293Glu (NM_001286042.2); and 2 more; short protein forms K329E, K333E, K362E, K140E, K293E.
Identifiers: ClinVar variation 3586 (VCV000003586.140), dbSNP rs77931234, ClinGen allele CA252821.
Genomic context (GRCh38, chr1:75,761,161, plus strand): 5'-TTTTTTTCTTTTTAATTCTAGCACCAAGCAATATCATTTATGCTGGCTGAAATGGCAATG[A>G]AAGTTGAACTAGCTAGAATGAGTTACCAGAGAGCAGCTTGGGAGGTTGATTCTGGTCGTC-3'
Protein context (NP_000007.1, residues 319-339): ISFMLAEMAM[Lys329Glu]VELARMSYQR